The following is an entry in ClinVar:

NM_002609.4(PDGFRB):c.928G>A (p.Val310Met)

Gene: PDGFRB (platelet derived growth factor receptor beta; minus strand). Cytogenetic location: 5q32.
Variant type: single nucleotide variant.
Coding change: c.928G>A on transcript NM_002609.4 (MANE Select); coding-DNA position 928, G replaced by A.
Protein change: p.Val310Met; replaces valine 310 with methionine.
Molecular consequence: missense variant.
Genome position (GRCh38, 1-based): chr5:150,133,592, C>T on the plus strand (G>A on the coding strand, the complement: PDGFRB is on the minus strand). VCF-style: chr5-150133592-C-T. GRCh37 (hg19) VCF-style: chr5-149513155-C-T.
Other names: c.736G>A, p.Val246Met (NM_001355016.2); c.445G>A, p.Val149Met (NM_001355017.2); short protein forms V149M, V310M, V246M.
Identifiers: ClinVar variation 4627239 (VCV004627239.1).

ClinVar aggregate classification (germline): Uncertain significance (1 of 4 stars; one submission).

Conditions:
Inborn genetic diseases. Identifiers: MedGen C0950123, MeSH D030342.

Submission:

Ambry Genetics
Classification: Uncertain significance for Inborn genetic diseases. Last evaluated: 2025-11-08. Review status: criteria provided, single submitter. Criteria: Ambry Variant Classification Scheme 2023. Collection method: clinical testing. Allele origin: germline.
Comment: The c.928G>A (p.V310M) alteration is located in exon 6 (coding exon 5) of the PDGFRB gene. This alteration results from a G to A substitution at nucleotide position 928, causing the valine (V) at amino acid position 310 to be replaced by a methionine (M). Based on data from gnomAD, the A allele has an overall frequency of 0.001% (3/282698) total alleles studied. The highest observed frequency was 0.003% (1/35418) of Latino alleles. Based on insufficient or conflicting evidence, the clinical significance of this alteration remains unclear.